The following is an entry in ClinVar:

NM_020706.2(SCAF4):c.425C>A (p.Ala142Asp)

Gene: SCAF4 (SR-related CTD associated factor 4; minus strand). Cytogenetic location: 21q22.11.
Variant type: single nucleotide variant.
Coding change: c.425C>A on transcript NM_020706.2 (MANE Select); coding-DNA position 425, C replaced by A.
Protein change: p.Ala142Asp; replaces alanine 142 with aspartic acid.
Molecular consequence: missense variant.
Genome position (GRCh38, 1-based): chr21:31,702,276, G>T on the plus strand (C>A on the coding strand, the complement: SCAF4 is on the minus strand). VCF-style: chr21-31702276-G-T. GRCh37 (hg19) VCF-style: chr21-33074589-G-T.
Other names: c.380C>A, p.Ala127Asp (NM_001145444.1); c.425C>A, p.Ala142Asp (NM_001145445.1); short protein forms A127D, A142D.
Identifiers: ClinVar variation 3373468 (VCV003373468.1).

ClinVar aggregate classification (germline): Uncertain significance (1 of 4 stars; one submission).

gnomAD v4.1: 4 of 1,613,858 alleles (0.00025%); highest among the groups gnomAD compares: African/African-American, 0.0053%; no homozygotes.

Submission:

GeneDx
Classification: Uncertain significance. Last evaluated: 2024-03-04. Review status: criteria provided, single submitter. Criteria: GeneDx Variant Classification Process June 2021. Collection method: clinical testing. Allele origin: germline. Affected: yes.
Comment: Not observed at significant frequency in large population cohorts (gnomAD); In silico analysis supports that this missense variant does not alter protein structure/function; Has not been previously published as pathogenic or benign to our knowledge